The following is an entry in ClinVar:

ClinVar aggregate classification (germline): Uncertain significance (1 of 4 stars; one submission).

Conditions:
Sphingolipid activator protein 1 deficiency. Also called: METACHROMATIC LEUKODYSTROPHY DUE TO CEREBROSIDE SULFATASE ACTIVATOR DEFICIENCY; Metachromatic leukodystrophy due to saposin B deficiency; Saposin B Deficiency. Identifiers: Orphanet 512, MedGen C0268262, MONDO:0009590, OMIM 249900.

Allele frequency attached by ClinVar (database versions not stated): gnomAD exomes below 0.00001; TOPMed below 0.00001; gnomAD 0.00001.
gnomAD v4.1: 2 of 1,614,110 alleles (0.00012%); highest among the groups gnomAD compares: Non-Finnish European, 0.00017%; no homozygotes.

Submission:

Labcorp Genetics (formerly Invitae), Labcorp
Classification: Uncertain significance for Sphingolipid activator protein 1 deficiency. Last evaluated: 2022-06-24. Review status: criteria provided, single submitter. Criteria: Invitae Variant Classification Sherloc (09022015). Collection method: clinical testing. Allele origin: germline.
Comment: This sequence change replaces leucine, which is neutral and non-polar, with proline, which is neutral and non-polar, at codon 443 of the PSAP protein (p.Leu443Pro). This variant is not present in population databases (gnomAD no frequency). This variant has not been reported in the literature in individuals affected with PSAP-related conditions. Algorithms developed to predict the effect of missense changes on protein structure and function are either unavailable or do not agree on the potential impact of this missense change (SIFT: "Not Available"; PolyPhen-2: "Probably Damaging"; Align-GVGD: "Not Available"). In summary, the available evidence is currently insufficient to determine the role of this variant in disease. Therefore, it has been classified as a Variant of Uncertain Significance.

NM_002778.4(PSAP):c.1328T>C (p.Leu443Pro)

Gene: PSAP (prosaposin; minus strand). Cytogenetic location: 10q22.1.
Variant type: single nucleotide variant.
Coding change: c.1328T>C on transcript NM_002778.4 (MANE Select); coding-DNA position 1328, T replaced by C.
Protein change: p.Leu443Pro; replaces leucine 443 with proline.
Molecular consequence: missense variant.
Genome position (GRCh38, 1-based): chr10:71,819,487, A>G on the plus strand (T>C on the coding strand, the complement: PSAP is on the minus strand). VCF-style: chr10-71819487-A-G. GRCh37 (hg19) VCF-style: chr10-73579244-A-G.
Other names: c.1337T>C, p.Leu446Pro (NM_001042465.3); c.1334T>C, p.Leu445Pro (NM_001042466.3); short protein forms L443P, L445P, L446P.
Identifiers: ClinVar variation 1964461 (VCV001964461.2), dbSNP rs1842249179, ClinGen allele CA377142481.
Genomic context (GRCh38, chr10:71,819,487, plus strand): 5'-TGCCATGCTGGCCTACCGCAGCCCAGCCCGGGGCGTACCTGCTTCTGGTAAGGGTCTGGC[A>G]GGAAGCTGCAGCCTTTCTCAAGAGCAGCCAGGATCTCCTGCTTGGTGCTGTTTTTCTCCA-3'
Protein context (NP_002769.1, residues 433-453): LAALEKGCSF[Leu443Pro]PDPYQKQCDQ